The following is an entry in ClinVar:

ClinVar aggregate classification (germline): Uncertain significance. Review status: criteria provided, multiple submitters, no conflicts (2 of 4 stars). 2 submissions from 2 submitters: Uncertain significance (2). Last evaluated 2024-11-05.

Allele frequency attached by ClinVar (database versions not stated): gnomAD exomes below 0.00001; gnomAD 0.00001; TOPMed 0.00003.
gnomAD v4.1: 9 of 1,614,090 alleles (0.00056%); highest among the groups gnomAD compares: Admixed American, 0.0067%; no homozygotes.

Submissions (2):

Labcorp Genetics (formerly Invitae), Labcorp
Classification: Uncertain significance. Last evaluated: 2024-11-05. Review status: criteria provided, single submitter. Criteria: Invitae Variant Classification Sherloc (09022015). Collection method: clinical testing. Allele origin: germline.
Comment: This sequence change replaces arginine, which is basic and polar, with glycine, which is neutral and non-polar, at codon 66 of the KANK1 protein (p.Arg66Gly). This variant is present in population databases (no rsID available, gnomAD 0.009%). This variant has not been reported in the literature in individuals affected with KANK1-related conditions. ClinVar contains an entry for this variant (Variation ID: 2185420). An algorithm developed to predict the effect of missense changes on protein structure and function (PolyPhen-2) suggests that this variant is likely to be disruptive. In summary, the available evidence is currently insufficient to determine the role of this variant in disease. Therefore, it has been classified as a Variant of Uncertain Significance.

Ambry Genetics
Classification: Uncertain significance. Last evaluated: 2022-12-28. Review status: criteria provided, single submitter. Criteria: Ambry Variant Classification Scheme 2023. Collection method: clinical testing. Allele origin: germline.

NM_015158.5(KANK1):c.196A>G (p.Arg66Gly)

Gene: KANK1 (KN motif and ankyrin repeat domains 1; plus strand). Cytogenetic location: 9p24.3.
Variant type: single nucleotide variant.
Coding change: c.196A>G on transcript NM_015158.5 (MANE Select); coding-DNA position 196, A replaced by G.
Protein change: p.Arg66Gly; replaces arginine 66 with glycine.
Molecular consequence: missense variant. On other transcripts: 5 prime UTR variant (12), non-coding transcript variant (1).
Genome position (GRCh38, 1-based): chr9:710,962, A>G. VCF-style: chr9-710962-A-G. GRCh37 (hg19) VCF-style: chr9-710962-A-G.
Other names: c.196A>G, p.Arg66Gly (NM_001256876.3, NM_001256877.3, NM_001354331.2 and 2 more transcripts); c.-279A>G (NM_001354333.2, NM_001354335.2, NM_001354336.2 and 9 more transcripts); c.196A>G (NM_015158.2); short protein forms R66G.
Identifiers: ClinVar variation 2185420 (VCV002185420.5), dbSNP rs1283924834, ClinGen allele CA372745679.